The following is an entry in ClinVar:

NM_031407.7(HUWE1):c.11782C>A (p.Pro3928Thr)

Gene: HUWE1 (HECT, UBA and WWE domain containing E3 ubiquitin protein ligase 1; minus strand). Cytogenetic location: Xp11.22.
Variant type: single nucleotide variant.
Coding change: c.11782C>A on transcript NM_031407.7 (MANE Select); coding-DNA position 11782, C replaced by A.
Protein change: p.Pro3928Thr; replaces proline 3928 with threonine.
Molecular consequence: missense variant.
Genome position (GRCh38, 1-based): chrX:53,538,931, G>T on the plus strand (C>A on the coding strand, the complement: HUWE1 is on the minus strand). VCF-style: chrX-53538931-G-T. GRCh37 (hg19) VCF-style: chrX-53565892-G-T.
Other names: short protein forms P3928T.
Identifiers: ClinVar variation 3359535 (VCV003359535.1).

ClinVar aggregate classification (germline): Uncertain significance (1 of 4 stars; one submission).

Submission:

GeneDx
Classification: Uncertain significance. Last evaluated: 2023-06-05. Review status: criteria provided, single submitter. Criteria: GeneDx Variant Classification Process June 2021. Collection method: clinical testing. Allele origin: germline. Affected: yes.
Comment: Not observed at significant frequency in large population cohorts (gnomAD); In silico analysis supports that this missense variant does not alter protein structure/function; Has not been previously published as pathogenic or benign to our knowledge